The following is an entry in ClinVar:

NM_004714.3(DYRK1B):c.123C>A (p.Thr41=)

Gene: DYRK1B (dual specificity tyrosine phosphorylation regulated kinase 1B; minus strand). Cytogenetic location: 19q13.2.
Variant type: single nucleotide variant.
Coding change: c.123C>A on transcript NM_004714.3 (MANE Select); coding-DNA position 123, C replaced by A.
Protein change: p.Thr41=; no amino-acid change (threonine 41 retained).
Molecular consequence: synonymous variant.
Genome position (GRCh38, 1-based): chr19:39,830,724, G>T on the plus strand (C>A on the coding strand, the complement: DYRK1B is on the minus strand). VCF-style: chr19-39830724-G-T. GRCh37 (hg19) VCF-style: chr19-40321364-G-T.
Other names: c.123C>A, p.Thr41= (NM_006483.3, NM_006484.3).
Identifiers: ClinVar variation 4982806 (VCV004982806.1).

ClinVar aggregate classification (germline): Likely benign (1 of 4 stars; one submission).

Conditions:
DYRK1B-related disorder. Also called: DYRK1B-related condition.

gnomAD v4.1: 1 of 1,614,176 alleles (0.000062%); highest among the groups gnomAD compares: African/African-American, 0.0013%; no homozygotes.

Submission:

PreventionGenetics, part of Exact Sciences
Classification: Likely benign for DYRK1B-related condition. Last evaluated: 2025-03-19. Review status: criteria provided, single submitter. Criteria: ACMG Guidelines, 2015. Collection method: clinical testing. Allele origin: germline.
Comment: This variant is classified as likely benign based on ACMG/AMP sequence variant interpretation guidelines (Richards et al. 2015 PMID: 25741868, with internal and published modifications).